The following is an entry in ClinVar:

ClinVar aggregate classification (germline): Uncertain significance (1 of 4 stars; one submission).

gnomAD v4.1: 5 of 1,550,562 alleles (0.00032%); highest among the groups gnomAD compares: African/African-American, 0.0068%; no homozygotes.

Submission:

GeneDx
Classification: Uncertain significance. Last evaluated: 2024-08-26. Review status: criteria provided, single submitter. Criteria: GeneDx Variant Classification Process June 2021. Collection method: clinical testing. Allele origin: germline. Affected: yes.
Comment: In silico analysis indicates that this missense variant does not alter protein structure/function; Has not been previously published as pathogenic or benign to our knowledge

NM_001292063.2(OTOG):c.5599C>T (p.Pro1867Ser)

Gene: OTOG (otogelin; plus strand). Cytogenetic location: 11p15.1.
Variant type: single nucleotide variant.
Coding change: c.5599C>T on transcript NM_001292063.2 (MANE Select); coding-DNA position 5599, C replaced by T.
Protein change: p.Pro1867Ser; replaces proline 1867 with serine.
Molecular consequence: missense variant.
Genome position (GRCh38, 1-based): chr11:17,610,899, C>T. VCF-style: chr11-17610899-C-T. GRCh37 (hg19) VCF-style: chr11-17632446-C-T.
Other names: c.5635C>T, p.Pro1879Ser (NM_001277269.2); short protein forms P1867S, P1879S.
Identifiers: ClinVar variation 3766190 (VCV003766190.1).